The following is an entry in ClinVar:

ClinVar aggregate classification (germline): Uncertain significance (1 of 4 stars; one submission).

Submission:

Dasa
Classification: Uncertain significance. Last evaluated: 2025-05-06. Review status: criteria provided, single submitter. Criteria: DASA Assertion Criteria. Collection method: clinical testing. Allele origin: germline.
Comment: NM_003072.5(SMARCA4):c.3974G>C (p.Arg1325Pro) is a missense variant that results in the substitution of arginine with proline. This variant is absent from population databases. Computational prediction algorithms are consistent with a deleterious effect. The currently available literature and clinical evidence are not sufficient to establish a definitive association between this variant and the reported condition. Therefore, this variant is classified as a variant of uncertain significance.

NM_003072.5(SMARCA4):c.3974G>C (p.Arg1325Pro)

Gene: SMARCA4 (SWI/SNF related BAF chromatin remodeling complex subunit ATPase 4; plus strand). Cytogenetic location: 19p13.2.
Variant type: single nucleotide variant.
Coding change: c.3974G>C on transcript NM_003072.5 (MANE Select); coding-DNA position 3974, G replaced by C.
Protein change: p.Arg1325Pro; replaces arginine 1325 with proline.
Molecular consequence: missense variant. On other transcripts: non-coding transcript variant (1).
Genome position (GRCh38, 1-based): chr19:11,034,936, G>C. VCF-style: chr19-11034936-G-C. GRCh37 (hg19) VCF-style: chr19-11145612-G-C.
Other names: c.3875G>C, p.Arg1292Pro (NM_001128845.2, NM_001128846.2, NM_001128847.4 and 3 more transcripts); c.3974G>C, p.Arg1325Pro (NM_001128849.3, NM_001387283.1, NM_001128844.3); short protein forms R1292P, R1325P.
Identifiers: ClinVar variation 4883554 (VCV004883554.2).